The following is an entry in ClinVar:

ClinVar aggregate classification (germline): Likely pathogenic. Review status: criteria provided, multiple submitters, no conflicts (2 of 4 stars). 2 submissions from 2 submitters: Likely pathogenic (2). Last evaluated 2024-02-22.

Conditions:
ETFDH-related disorder. Also called: ETFDH-related condition.
Multiple acyl-CoA dehydrogenase deficiency (MADD). Also called: Glutaric aciduria, type 2; Glutaric acidemia type II; GA 2; ETHYLMALONIC-ADIPICACIDURIA; GA II; Glutaric Acidemia type 2. Identifiers: Orphanet 26791, MedGen C0268596, MONDO:0009282, OMIM 231680.

Allele frequency attached by ClinVar (database versions not stated): gnomAD exomes below 0.00001.
gnomAD v4.1: 2 of 1,611,730 alleles (0.00012%); highest among the groups gnomAD compares: East Asian, 0.0045%; no homozygotes.

Submissions (2):

Labcorp Genetics (formerly Invitae), Labcorp
Classification: Likely pathogenic for Multiple acyl-CoA dehydrogenase deficiency. Last evaluated: 2024-02-22. Review status: criteria provided, single submitter. Criteria: Invitae Variant Classification Sherloc (09022015). Collection method: clinical testing. Allele origin: germline.
Comment: This sequence change affects a donor splice site in intron 9 of the ETFDH gene. It is expected to disrupt RNA splicing. Variants that disrupt the donor or acceptor splice site typically lead to a loss of protein function (PMID: 16199547), and loss-of-function variants in ETFDH are known to be pathogenic (PMID: 16510302, 23785301). This variant is not present in population databases (gnomAD no frequency). This variant has not been reported in the literature in individuals affected with ETFDH-related conditions. ClinVar contains an entry for this variant (Variation ID: 631942). Algorithms developed to predict the effect of sequence changes on RNA splicing suggest that this variant may disrupt the consensus splice site. In summary, the currently available evidence indicates that the variant is pathogenic, but additional data are needed to prove that conclusively. Therefore, this variant has been classified as Likely Pathogenic.

Blueprint Genetics
Classification: Likely pathogenic for ETFDH-related disorders. Last evaluated: 2023-12-12. Review status: criteria provided, single submitter. Criteria: ACMG Guidelines, 2015. Collection method: clinical testing. Allele origin: germline. Affected: yes. Observed: 1 variant allele.

Literature cited by the submitters: PubMed 16199547 (cited by Labcorp Genetics (formerly Invitae), Labcorp); PubMed 16510302 (cited by Labcorp Genetics (formerly Invitae), Labcorp); PubMed 23785301 (cited by Labcorp Genetics (formerly Invitae), Labcorp).

NM_004453.4(ETFDH):c.1116+2T>C

Gene: ETFDH (electron transfer flavoprotein dehydrogenase; plus strand). Cytogenetic location: 4q32.1.
Variant type: single nucleotide variant.
Coding change: c.1116+2T>C on transcript NM_004453.4 (MANE Select); the canonical splice donor site of the intron after coding-DNA position 1116, T replaced by C.
Molecular consequence: splice donor variant.
Genome position (GRCh38, 1-based): chr4:158,699,132, T>C. VCF-style: chr4-158699132-T-C. GRCh37 (hg19) VCF-style: chr4-159620284-T-C.
Other names: c.975+2T>C (NM_001281737.2); c.933+2T>C (NM_001281738.1).
Identifiers: ClinVar variation 631942 (VCV000631942.8), dbSNP rs1561247874, ClinGen allele CA358562393.